The following is an entry in ClinVar:

ClinVar aggregate classification (germline): Uncertain significance. Review status: criteria provided, multiple submitters, no conflicts (2 of 4 stars). 2 submissions from 2 submitters: Uncertain significance (2). Last evaluated 2026-07-03.

Conditions:
Autoimmune interstitial lung disease-arthritis syndrome. Also called: Autoinflammation and autoimmunity, systemic, with immune dysregulation. Identifiers: Orphanet 444092, MedGen C5975714, MONDO:0014629.
Inborn genetic diseases. Identifiers: MedGen C0950123, MeSH D030342.

Allele frequency attached by ClinVar (database versions not stated): gnomAD 0.00001; TOPMed below 0.00001; gnomAD exomes below 0.00001.
gnomAD v4.1: 2 of 1,613,460 alleles (0.00012%); highest among the groups gnomAD compares: Non-Finnish European, 0.00017%; no homozygotes.

Submissions (2):

Ambry Genetics
Classification: Uncertain significance for Inborn genetic diseases. Last evaluated: 2026-07-03. Review status: criteria provided, single submitter. Criteria: Ambry Variant Classification Scheme 2023. Collection method: clinical testing. Allele origin: germline.

Labcorp Genetics (formerly Invitae), Labcorp
Classification: Uncertain significance for Autoimmune interstitial lung disease-arthritis syndrome. Last evaluated: 2023-07-30. Review status: criteria provided, single submitter. Criteria: Invitae Variant Classification Sherloc (09022015). Collection method: clinical testing. Allele origin: germline.
Comment: This variant has not been reported in the literature in individuals affected with COPA-related conditions. In summary, the available evidence is currently insufficient to determine the role of this variant in disease. Therefore, it has been classified as a Variant of Uncertain Significance. Advanced modeling of protein sequence and biophysical properties (such as structural, functional, and spatial information, amino acid conservation, physicochemical variation, residue mobility, and thermodynamic stability) performed at Invitae indicates that this missense variant is expected to disrupt COPA protein function. This variant is not present in population databases (gnomAD no frequency). This sequence change replaces arginine, which is basic and polar, with glutamine, which is neutral and polar, at codon 274 of the COPA protein (p.Arg274Gln).

NM_004371.4(COPA):c.821G>A (p.Arg274Gln)

Gene: COPA (coat protein complex I subunit alpha; minus strand). Cytogenetic location: 1q23.2.
Variant type: single nucleotide variant.
Coding change: c.821G>A on transcript NM_004371.4 (MANE Select); coding-DNA position 821, G replaced by A.
Protein change: p.Arg274Gln; replaces arginine 274 with glutamine.
Molecular consequence: missense variant.
Genome position (GRCh38, 1-based): chr1:160,314,011, C>T on the plus strand (G>A on the coding strand, the complement: COPA is on the minus strand). VCF-style: chr1-160314011-C-T. GRCh37 (hg19) VCF-style: chr1-160283801-C-T.
Other names: c.821G>A (NM_001098398.1); c.821G>A, p.Arg274Gln (NM_001098398.2); short protein forms R274Q.
Identifiers: ClinVar variation 2730391 (VCV002730391.4), dbSNP rs1292754877, ClinGen allele CA343263702.